The following is an entry in ClinVar:

NM_001042492.3(NF1):c.2783C>T (p.Ala928Val)

Gene: NF1 (neurofibromin 1; plus strand). Cytogenetic location: 17q11.2.
Variant type: single nucleotide variant.
Coding change: c.2783C>T on transcript NM_001042492.3 (MANE Select); coding-DNA position 2783, C replaced by T.
Protein change: p.Ala928Val; replaces alanine 928 with valine.
Molecular consequence: missense variant.
Genome position (GRCh38, 1-based): chr17:31,229,398, C>T. VCF-style: chr17-31229398-C-T. GRCh37 (hg19) VCF-style: chr17-29556416-C-T.
Other names: c.2783C>T, p.Ala928Val (NM_000267.4); short protein forms A928V.
Identifiers: ClinVar variation 945666 (VCV000945666.7), dbSNP rs2067073386, ClinGen allele CA398985595.

ClinVar aggregate classification (germline): Uncertain significance. Review status: criteria provided, multiple submitters, no conflicts (2 of 4 stars). 2 submissions from 2 submitters: Uncertain significance (2). Last evaluated 2023-05-24.

Conditions:
Neurofibromatosis, type 1 (NF1). Also called: Peripheral type neurofibromatosis; Neurofibromatosis, type I; VON RECKLINGHAUSEN DISEASE; NEUROFIBROMATOSIS, TYPE I, SOMATIC. Identifiers: Orphanet 636, MedGen C0027831, MONDO:0018975, OMIM 162200. Disease mechanism: loss of function.
Juvenile myelomonocytic leukemia (JMML). Also called: LEUKEMIA, JUVENILE MYELOMONOCYTIC, SOMATIC. Identifiers: Orphanet 86834, MedGen C0349639, MONDO:0011908, OMIM 607785, HP:0012209.

Submissions (2):

Baylor Genetics
Classification: Uncertain significance for Juvenile myelomonocytic leukemia. Last evaluated: 2023-05-24. Review status: criteria provided, single submitter. Criteria: ACMG Guidelines, 2015. Collection method: clinical testing. Allele origin: unknown.

Labcorp Genetics (formerly Invitae), Labcorp
Classification: Uncertain significance for Neurofibromatosis, type 1. Last evaluated: 2020-08-14. Review status: criteria provided, single submitter. Criteria: Invitae Variant Classification Sherloc (09022015). Collection method: clinical testing. Allele origin: germline.
Comment: This sequence change replaces alanine with valine at codon 928 of the NF1 protein (p.Ala928Val). The alanine residue is moderately conserved and there is a small physicochemical difference between alanine and valine. This variant is not present in population databases (ExAC no frequency). This variant has not been reported in the literature in individuals with NF1-related conditions. Algorithms developed to predict the effect of missense changes on protein structure and function (SIFT, PolyPhen-2, Align-GVGD) all suggest that this variant is likely to be tolerated, but these predictions have not been confirmed by published functional studies and their clinical significance is uncertain. In summary, the available evidence is currently insufficient to determine the role of this variant in disease. Therefore, it has been classified as a Variant of Uncertain Significance.